The following is an entry in ClinVar:

NM_017547.4(FOXRED1):c.916G>C (p.Glu306Gln)

Gene: FOXRED1 (FAD dependent oxidoreductase domain containing 1; plus strand). Cytogenetic location: 11q24.2.
Variant type: single nucleotide variant.
Coding change: c.916G>C on transcript NM_017547.4 (MANE Select); coding-DNA position 916, G replaced by C.
Protein change: p.Glu306Gln; replaces glutamic acid 306 with glutamine.
Molecular consequence: missense variant. On other transcripts: non-coding transcript variant (3).
Genome position (GRCh38, 1-based): chr11:126,276,164, G>C. VCF-style: chr11-126276164-G-C. GRCh37 (hg19) VCF-style: chr11-126146059-G-C.
Other names: c.946G>C, p.Glu316Gln (NM_001425160.1); c.916G>C, p.Glu306Gln (NM_001425161.1, NM_001425163.1, NM_001425165.1 and 1 more transcripts); c.913G>C, p.Glu305Gln (NM_001425164.1); c.814G>C, p.Glu272Gln (NM_001425167.1); c.406G>C, p.Glu136Gln (NM_001425168.1, NM_001425169.1, NM_001425170.1); c.355G>C, p.Glu119Gln (NM_001425171.1, NM_001425172.1); c.283G>C, p.Glu95Gln (NM_001425173.1, NM_001425174.1, NM_001425175.1); short protein forms E119Q, E136Q, E272Q, E305Q, E306Q, E316Q, E95Q.
Identifiers: ClinVar variation 4882673 (VCV004882673.2).

ClinVar aggregate classification (germline): Uncertain significance (1 of 4 stars; one submission).

Submission:

Dasa
Classification: Uncertain significance. Last evaluated: 2025-03-27. Review status: criteria provided, single submitter. Criteria: DASA Assertion Criteria. Collection method: clinical testing. Allele origin: germline.
Comment: NM_017547.4(FOXRED1):c.916G>C (p.Glu306Gln) is a missense variant that results in the substitution of glutamic acid with glutamine. This variant has been observed in affected individuals with FOXRED1-related disorders. Also, this variant is rare in population databases. Computational prediction algorithms are consistent with a benign effect. The currently available literature and clinical evidence are not sufficient to establish a definitive association between this variant and the reported condition. Therefore, this variant is classified as a variant of uncertain significance.